The following is an entry in ClinVar:

NM_182931.3(KMT2E):c.42G>A (p.Thr14=)

Gene: KMT2E (lysine methyltransferase 2E (inactive); plus strand). Cytogenetic location: 7q22.3.
Variant type: single nucleotide variant.
Coding change: c.42G>A on transcript NM_182931.3 (MANE Select); coding-DNA position 42, G replaced by A.
Protein change: p.Thr14=; no amino-acid change (threonine 14 retained).
Molecular consequence: synonymous variant.
Genome position (GRCh38, 1-based): chr7:105,040,994, G>A. VCF-style: chr7-105040994-G-A. GRCh37 (hg19) VCF-style: chr7-104681441-G-A.
Other names: c.42G>A, p.Thr14= (NM_001410908.1, NM_018682.4); c.42G>A (NM_182931.2).
Identifiers: ClinVar variation 2065812 (VCV002065812.7), dbSNP rs150090175, ClinGen allele CA4423561.

ClinVar aggregate classification (germline): Benign/Likely benign. Review status: criteria provided, multiple submitters, no conflicts (2 of 4 stars). 3 submissions from 3 submitters: Benign (1); Likely benign (1). 1 of the submissions does not count toward it. Last evaluated 2025-11-13.

Conditions:
KMT2E-related disorder. Also called: KMT2E-related condition.

Allele frequency attached by ClinVar (database versions not stated): gnomAD exomes 0.00006; ExAC 0.00019; gnomAD 0.00047; ESP Exome Variant Server 0.00062; TOPMed 0.00063; 1000 Genomes Project 30x 0.00078; 1000 Genomes Project 0.00100.
gnomAD v4.1: 167 of 1,602,384 alleles (0.01%); highest among the groups gnomAD compares: African/African-American, 0.18%; 1 homozygote.

Submissions (3):

Labcorp Genetics (formerly Invitae), Labcorp
Classification: Benign. Last evaluated: 2025-11-13. Review status: criteria provided, single submitter. Criteria: Invitae Variant Classification Sherloc (09022015). Collection method: clinical testing. Allele origin: germline.

Blueprint Genetics
Classification: Likely benign. Last evaluated: 2024-06-10. Review status: criteria provided, single submitter. Criteria: ACMG Guidelines, 2015. Collection method: clinical testing. Allele origin: germline.

PreventionGenetics, part of Exact Sciences
Classification: Likely benign for KMT2E-related condition. Last evaluated: 2023-12-28. Review status: no assertion criteria provided. Collection method: clinical testing. Allele origin: germline. Not counted in ClinVar's aggregate classification.
Comment: This variant is classified as likely benign based on ACMG/AMP sequence variant interpretation guidelines (Richards et al. 2015 PMID: 25741868, with internal and published modifications).